The following is an entry in ClinVar:

NM_001080.3(ALDH5A1):c.559C>G (p.Arg187Gly)

Gene: ALDH5A1 (aldehyde dehydrogenase 5 family member A1; plus strand). Cytogenetic location: 6p22.3.
Variant type: single nucleotide variant.
Coding change: c.559C>G on transcript NM_001080.3 (MANE Select); coding-DNA position 559, C replaced by G.
Protein change: p.Arg187Gly; replaces arginine 187 with glycine.
Molecular consequence: missense variant.
Genome position (GRCh38, 1-based): chr6:24,503,383, C>G. VCF-style: chr6-24503383-C-G. GRCh37 (hg19) VCF-style: chr6-24503611-C-G.
Other names: c.559C>G, p.Arg187Gly (NM_001368954.1, NM_170740.1); short protein forms R187G.
Identifiers: ClinVar variation 1878451 (VCV001878451.4), dbSNP rs370988709, ClinGen allele CA362969641.
Genomic context (GRCh38, chr6:24,503,383, plus strand): 5'-TTCTCTGAGGAAGCCCGCCGTGTTTACGGAGACATTATCCACACCCCGGCAAAGGACAGG[C>G]GGGCCCTGGTCCTCAAGCAGCCCATAGGCGTGGCTGCAGTCATCACCCCGGTAGGTGACA-3'
Protein context (NP_001071.1, residues 177-197): DIIHTPAKDR[Arg187Gly]ALVLKQPIGV

ClinVar aggregate classification (germline): Pathogenic (1 of 4 stars; one submission).

Conditions:
Succinate-semialdehyde dehydrogenase deficiency (SSADHD). Also called: Succinic Semialdehyde Dehydrogenase Deficiency; SSADH DEFICIENCY; 4-HYDROXYBUTYRIC ACIDURIA; GABA METABOLIC DEFECT. Identifiers: Orphanet 22, MedGen C0268631, MONDO:0010083, OMIM 271980.

Submission:

Elsea Laboratory, Baylor College of Medicine
Classification: Pathogenic for Succinate-semialdehyde dehydrogenase deficiency. Last evaluated: 2021-03-08. Review status: criteria provided, single submitter. Criteria: Martin et al. (J Child Neurol. 2021). Collection method: curation. Allele origin: germline. Affected: yes.
Comment: deficient enzyme activity; oligomerization domain

Literature cited by the submitters: PubMed 33203024; PubMed 32402538.